The following is an entry in ClinVar:

ClinVar aggregate classification (germline): Uncertain significance (1 of 4 stars; one submission).

Allele frequency attached by ClinVar (database versions not stated): gnomAD 0.00001; TOPMed 0.00001.
gnomAD v4.1: 1 of 1,614,100 alleles (0.000062%); highest among the groups gnomAD compares: African/African-American, 0.0013%; no homozygotes.

Submission:

GeneDx
Classification: Uncertain significance. Last evaluated: 2022-10-03. Review status: criteria provided, single submitter. Criteria: GeneDx Variant Classification Process June 2021. Collection method: clinical testing. Allele origin: germline. Affected: yes.
Comment: Not observed at significant frequency in large population cohorts (gnomAD); In silico analysis supports that this missense variant has a deleterious effect on protein structure/function; Has not been previously published as pathogenic or benign to our knowledge

NM_001148.6(ANK2):c.3328T>C (p.Cys1110Arg)

Gene: ANK2 (ankyrin 2; plus strand). Cytogenetic location: 4q26.
Variant type: single nucleotide variant.
Coding change: c.3328T>C on transcript NM_001148.6 (MANE Select); coding-DNA position 3328, T replaced by C.
Protein change: p.Cys1110Arg; replaces cysteine 1110 with arginine.
Molecular consequence: missense variant.
Genome position (GRCh38, 1-based): chr4:113,333,157, T>C. VCF-style: chr4-113333157-T-C. GRCh37 (hg19) VCF-style: chr4-114254313-T-C.
Other names: c.3301T>C, p.Cys1101Arg (NM_001127493.3); c.3340T>C, p.Cys1114Arg (NM_001354225.2); c.3229T>C, p.Cys1077Arg (NM_001354228.2, NM_001354258.2); c.3307T>C, p.Cys1103Arg (NM_001354230.2); c.3370T>C, p.Cys1124Arg (NM_001354231.2, NM_001354242.2); c.3364T>C, p.Cys1122Arg (NM_001354232.2); c.3325T>C, p.Cys1109Arg (NM_001354235.2, NM_001354246.2, NM_001354265.2); c.3226T>C, p.Cys1076Arg (NM_001354236.2); and 28 more; short protein forms C1010R, C1015R, C1023R, C1035R, C1039R, C1043R, C1044R, C1048R.
Identifiers: ClinVar variation 2446549 (VCV002446549.1), dbSNP rs1014408669, ClinGen allele CA103824607.
Genomic context (GRCh38, chr4:113,333,157, plus strand): 5'-AAGGAAAGGGAACTGGTGGTCCTGCGCAGTGAGAATGGGGACAGCTGGAAAGAGCATTTC[T>C]GTGACTACACTGAAGATGAATTGAATGAAATTCTTAACGGCATGGATGAAGGTACTTTCA-3'
Protein context (NP_001139.3, residues 1100-1120): ENGDSWKEHF[Cys1110Arg]DYTEDELNEI